The following is an entry in ClinVar:

NM_004304.5(ALK):c.1017G>T (p.Arg339Ser)

Gene: ALK (ALK receptor tyrosine kinase; minus strand). Cytogenetic location: 2p23.2.
Variant type: single nucleotide variant.
Coding change: c.1017G>T on transcript NM_004304.5 (MANE Select); coding-DNA position 1017, G replaced by T.
Protein change: p.Arg339Ser; replaces arginine 339 with serine.
Molecular consequence: missense variant.
Genome position (GRCh38, 1-based): chr2:29,532,052, C>A on the plus strand (G>T on the coding strand, the complement: ALK is on the minus strand). VCF-style: chr2-29532052-C-A. GRCh37 (hg19) VCF-style: chr2-29754918-C-A.
Other names: short protein forms R339S.
Identifiers: ClinVar variation 4827106 (VCV004827106.1).
Genomic context (GRCh38, chr2:29,532,052, plus strand): 5'-TCCAGAGGGCTGCAGGTGCCTGTGCACCGAGACGGCCAGTGTGCAGTGCTCACTGCTGCT[C>A]CTCATCCACGGACTCAGGATGGTGTGCTTGGAGTCAGCTGAGGTGTTGAGAAGGAGAAAG-3'
Protein context (NP_004295.2, residues 329-349): SKHTILSPWM[Arg339Ser]SSSEHCTLAV

ClinVar aggregate classification (germline): Uncertain significance (1 of 4 stars; one submission).

Conditions:
Hereditary cancer-predisposing syndrome. Also called: Neoplastic Syndromes, Hereditary; Tumor predisposition; Hereditary Cancer Syndrome; Hereditary neoplastic syndrome. Identifiers: Orphanet 140162, MedGen C0027672, MeSH D009386, MONDO:0015356.

Submission:

Ambry Genetics
Classification: Uncertain significance for Hereditary cancer-predisposing syndrome. Last evaluated: 2026-03-06. Review status: criteria provided, single submitter. Criteria: Ambry Variant Classification Scheme 2023. Collection method: clinical testing. Allele origin: germline.
Comment: The p.R339S variant (also known as c.1017G>T), located in coding exon 4 of the ALK gene, results from a G to T substitution at nucleotide position 1017. The arginine at codon 339 is replaced by serine, an amino acid with dissimilar properties. This amino acid position is conserved. In addition, the in silico prediction for this alteration is inconclusive. Based on the available evidence, the clinical significance of this variant remains unclear.